The following is an entry in ClinVar:

ClinVar aggregate classification (germline): Uncertain significance. Review status: criteria provided, multiple submitters, no conflicts (2 of 4 stars). 2 submissions from 2 submitters: Uncertain significance (2). Last evaluated 2023-10-20.

Conditions:
Inborn genetic diseases. Identifiers: MedGen C0950123, MeSH D030342.

Allele frequency attached by ClinVar (database versions not stated): gnomAD 0.00001; gnomAD exomes 0.00001; TOPMed 0.00001.
gnomAD v4.1: 11 of 1,613,638 alleles (0.00068%); highest among the groups gnomAD compares: Middle Eastern, 0.033%; no homozygotes.

Submissions (2):

Ambry Genetics
Classification: Uncertain significance for Inborn genetic diseases. Last evaluated: 2023-10-20. Review status: criteria provided, single submitter. Criteria: Ambry Variant Classification Scheme 2023. Collection method: clinical testing. Allele origin: germline.

Mayo Clinic Laboratories, Mayo Clinic
Classification: Uncertain significance. Last evaluated: 2023-09-15. Review status: criteria provided, single submitter. Criteria: ACMG Guidelines, 2015. Collection method: clinical testing. Allele origin: germline. Observed: 1 variant allele.
Comment: BP4, PM2_moderate

NM_001256007.3(PNPLA8):c.994C>G (p.Gln332Glu)

Gene: PNPLA8 (patatin like domain 8, phospholipase A2; minus strand). Cytogenetic location: 7q31.1.
Variant type: single nucleotide variant.
Coding change: c.994C>G on transcript NM_001256007.3 (MANE Select); coding-DNA position 994, C replaced by G.
Protein change: p.Gln332Glu; replaces glutamine 332 with glutamic acid.
Molecular consequence: missense variant.
Genome position (GRCh38, 1-based): chr7:108,514,498, G>C on the plus strand (C>G on the coding strand, the complement: PNPLA8 is on the minus strand). VCF-style: chr7-108514498-G-C. GRCh37 (hg19) VCF-style: chr7-108154942-G-C.
Other names: p.Gln332Glu; c.994C>G, p.Gln332Glu (NM_001256008.3, NM_001256009.3, NM_015723.5); c.694C>G, p.Gln232Glu (NM_001256010.3, NM_001256011.3); short protein forms Q332E, Q232E.
Identifiers: ClinVar variation 3216126 (VCV003216126.2), dbSNP rs1473538134, ClinGen allele CA368897620.